The following is an entry in ClinVar:

ClinVar aggregate classification (germline): Pathogenic/Likely pathogenic. Review status: criteria provided, multiple submitters, no conflicts (2 of 4 stars). 10 submissions from 10 submitters: Pathogenic (7); Likely pathogenic (1). 2 of the submissions do not count toward it. Last evaluated 2026-05-01.

Conditions:
Inborn genetic diseases. Identifiers: MedGen C0950123, MeSH D030342.
Takenouchi-Kosaki syndrome. Also called: Macrothrombocytopenia-lymphedema-developmental delay-facial dysmorphism-camptodactyly syndrome; MACROTHROMBOCYTOPENIA AND MENTAL RETARDATION SYNDROME. Identifiers: Orphanet 487796, MedGen C4225222, MONDO:0014757, OMIM 616737.
Postnatal growth retardation. Identifiers: HP:0008897, MedGen C1859778.
Abnormality of the immune system. Identifiers: MedGen C4021753, HP:0002715.
Abnormal facial shape. Also called: Dysmorphic facies; Dysmorphic facial features. Identifiers: MedGen C0424503, HP:0001999.
Abnormality of blood and blood-forming tissues. Identifiers: MedGen C0850715, HP:0001871.
Neurodevelopmental abnormality. Identifiers: MedGen C4022737, HP:0012759.

Submissions (10):

CeGaT Center for Human Genetics Tuebingen
Classification: Pathogenic. Last evaluated: 2026-05-01. Review status: criteria provided, single submitter. Criteria: CeGaT Center For Human Genetics Tuebingen Variant Classification Criteria Version 2. Collection method: clinical testing. Allele origin: germline. Affected: yes. Observed: 2 variant alleles.
Comment: CDC42: PS4, PM2, PM5, PS2:Moderate, PP2, PP3, PS3:Supporting

Labcorp Genetics (formerly Invitae), Labcorp
Classification: Pathogenic. Last evaluated: 2025-01-13. Review status: criteria provided, single submitter. Criteria: Invitae Variant Classification Sherloc (09022015). Collection method: clinical testing. Allele origin: germline.
Comment: This sequence change replaces tyrosine, which is neutral and polar, with cysteine, which is neutral and slightly polar, at codon 64 of the CDC42 protein (p.Tyr64Cys). This variant is not present in population databases (gnomAD no frequency). This missense change has been observed in individual(s) with CDC42-related conditions (PMID: 26386261, 29394990). In at least one individual the variant was observed to be de novo. ClinVar contains an entry for this variant (Variation ID: 218950). An algorithm developed to predict the effect of missense changes on protein structure and function (PolyPhen-2) suggests that this variant is likely to be tolerated. Experimental studies have shown that this missense change affects CDC42 function (PMID: 29394990). For these reasons, this variant has been classified as Pathogenic.

GeneDx
Classification: Pathogenic. Last evaluated: 2022-12-16. Review status: criteria provided, single submitter. Criteria: GeneDx Variant Classification Process June 2021. Collection method: clinical testing. Allele origin: germline. Affected: yes.
Comment: Published functional studies demonstrate a damaging effect on GTPase activity and protein binding (Martinelli et al., 2018); Not observed in large population cohorts (gnomAD); This variant is associated with the following publications: (PMID: 33405195, 34624555, 30872706, 26386261, 26708094, 29394990, 29335451, 31953712, 33083013, 32819561, 34504210)

Baylor Genetics
Classification: Pathogenic for Takenouchi-Kosaki syndrome. Last evaluated: 2022-06-27. Review status: criteria provided, single submitter. Criteria: ACMG Guidelines, 2015. Collection method: clinical testing. Allele origin: unknown.

Ambry Genetics
Classification: Pathogenic for Inborn genetic diseases. Last evaluated: 2019-01-23. Review status: criteria provided, single submitter. Criteria: Ambry exome assertion method (8-5-2015). Collection method: clinical testing. Allele origin: germline. Affected: yes. Observed: 2 variant alleles.

Fulgent Genetics
Classification: Pathogenic for Takenouchi-Kosaki syndrome. Last evaluated: 2018-10-31. Review status: criteria provided, single submitter. Criteria: ACMG Guidelines, 2015. Collection method: clinical testing. Allele origin: unknown.

Institute of Human Genetics Munich, TUM University Hospital
Classification: Likely pathogenic for Takenouchi-Kosaki syndrome. Last evaluated: 2017-12-11. Review status: criteria provided, single submitter. Criteria: Classification criteria August 2017. Collection method: clinical testing. Allele origin: germline. Inheritance: Autosomal dominant inheritance. Affected: yes. Observed: 1 heterozygote.

CENTOGENE GmbH and LLC - Guiding Precision Medicine
Classification: Pathogenic for Takenouchi-Kosaki syndrome. Review status: criteria provided, single submitter. Criteria: ACMG Guidelines, 2015. Collection method: clinical testing. Allele origin: de novo. Affected: yes.

OMIM
Classification: Pathogenic for TAKENOUCHI-KOSAKI SYNDROME. Last evaluated: 2015-12-28. Review status: no assertion criteria provided. Collection method: literature only. Allele origin: germline. Not counted in ClinVar's aggregate classification.

University of Washington Center for Mendelian Genomics, University of Washington
Classification: Likely pathogenic for Postnatal growth retardation; Abnormal facial shape; Neurodevelopmental abnormality; Abnormality of the immune system; Abnormality of blood and blood-forming tissues. Review status: no assertion criteria provided. Collection method: research. Allele origin: de novo. Affected: yes. Not counted in ClinVar's aggregate classification.

Literature cited by the submitters: PubMed 26386261 (cited by 3 submitters); PubMed 29394990 (cited by 4 submitters); PubMed 26708094 (cited by Ambry Genetics and OMIM); PubMed 29335451 (cited by Ambry Genetics).

NM_001791.4(CDC42):c.191A>G (p.Tyr64Cys)

Gene: CDC42 (cell division cycle 42; plus strand). Cytogenetic location: 1p36.12.
Variant type: single nucleotide variant.
Coding change: c.191A>G on transcript NM_001791.4 (MANE Select); coding-DNA position 191, A replaced by G.
Protein change: p.Tyr64Cys; replaces tyrosine 64 with cysteine.
Molecular consequence: missense variant.
Genome position (GRCh38, 1-based): chr1:22,086,451, A>G. VCF-style: chr1-22086451-A-G. GRCh37 (hg19) VCF-style: chr1-22412944-A-G.
Other names: c.191A>G, p.Tyr64Cys (NM_001039802.2, NM_044472.3); short protein forms Y64C.
Identifiers: ClinVar variation 218950 (VCV000218950.48), dbSNP rs864309721, ClinGen allele CA278804.